The following is an entry in ClinVar:

NM_007347.5(AP4E1):c.1514T>G (p.Phe505Cys)

Gene: AP4E1 (adaptor related protein complex 4 subunit epsilon 1; plus strand). Cytogenetic location: 15q21.2.
Variant type: single nucleotide variant.
Coding change: c.1514T>G on transcript NM_007347.5 (MANE Select); coding-DNA position 1514, T replaced by G.
Protein change: p.Phe505Cys; replaces phenylalanine 505 with cysteine.
Molecular consequence: missense variant.
Genome position (GRCh38, 1-based): chr15:50,950,135, T>G. VCF-style: chr15-50950135-T-G. GRCh37 (hg19) VCF-style: chr15-51242332-T-G.
Other names: c.1289T>G, p.Phe430Cys (NM_001252127.2); short protein forms F430C, F505C.
Identifiers: ClinVar variation 846642 (VCV000846642.9), dbSNP rs2064128364, ClinGen allele CA392418123.

ClinVar aggregate classification (germline): Uncertain significance (1 of 4 stars; one submission).

Conditions:
Spastic paraplegia. Identifiers: MedGen C0037772, HP:0001258.

Submission:

Labcorp Genetics (formerly Invitae), Labcorp
Classification: Uncertain significance for Spastic paraplegia. Last evaluated: 2019-04-05. Review status: criteria provided, single submitter. Criteria: Invitae Variant Classification Sherloc (09022015). Collection method: clinical testing. Allele origin: germline.
Comment: This sequence change replaces phenylalanine with cysteine at codon 505 of the AP4E1 protein (p.Phe505Cys). The phenylalanine residue is moderately conserved and there is a large physicochemical difference between phenylalanine and cysteine. This variant is not present in population databases (ExAC no frequency). This variant has not been reported in the literature in individuals with AP4E1-related conditions. Algorithms developed to predict the effect of missense changes on protein structure and function are either unavailable or do not agree on the potential impact of this missense change (SIFT: "Tolerated"; PolyPhen-2: "Possibly Damaging"; Align-GVGD: "Class C0"). In summary, the available evidence is currently insufficient to determine the role of this variant in disease. Therefore, it has been classified as a Variant of Uncertain Significance.